The following is an entry in ClinVar:

ClinVar aggregate classification (germline): Pathogenic. Review status: criteria provided, multiple submitters, no conflicts (2 of 4 stars). 3 submissions from 3 submitters: Pathogenic (2). 1 of the submissions does not count toward it. Last evaluated 2025-09-16.

Conditions:
Childhood hypophosphatasia. Identifiers: Orphanet 247667, Orphanet 436, MedGen C0220743, MONDO:1010168, OMIM 241510, MONDO:0009428.

Submissions (3):

Labcorp Genetics (formerly Invitae), Labcorp
Classification: Pathogenic. Last evaluated: 2025-09-16. Review status: criteria provided, single submitter. Criteria: Invitae Variant Classification Sherloc (09022015). Collection method: clinical testing. Allele origin: germline.
Comment: This sequence change affects a donor splice site in intron 4 of the PHEX gene. It is expected to disrupt RNA splicing. Variants that disrupt the donor or acceptor splice site typically lead to a loss of protein function (PMID: 16199547), and loss-of-function variants in PHEX are known to be pathogenic (PMID: 9097956, 9106524, 19219621). This variant is not present in population databases (gnomAD no frequency). Disruption of this splice site has been observed in individuals with hypophosphatemia (PMID: 18625346, 24857004, 29460029, 29505567). ClinVar contains an entry for this variant (Variation ID: 449698). Algorithms developed to predict the effect of sequence changes on RNA splicing suggest that this variant may disrupt the consensus splice site. For these reasons, this variant has been classified as Pathogenic.

GeneDx
Classification: Pathogenic. Last evaluated: 2017-08-04. Review status: criteria provided, single submitter. Criteria: GeneDx Variant Classification (06012015). Collection method: clinical testing. Allele origin: germline. Affected: yes.
Comment: The c.436+1G>A variant in the PHEX gene has been reported previously in a patient with X-linked hypophosphatemic rickets (Liu et al., 2014). A different variant at the same splice site, c.436+1 G>C, has also been reported in association with X-linked hypophosphatemic rickets (Ichikawa et al., 2008). The c.436+1G>A splice site variant destroys the canonical splice donor site in intron 4. It is predicted to cause abnormal gene splicing, either leading to an abnormal message that is subject to nonsense-mediated mRNA decay, or to an abnormal protein product if the message is used for protein translation. The c.436+1G>A variant is not observed in large population cohorts (Lek et al., 2016; 1000 Genomes Consortium et al., 2015; Exome Variant Server). We interpret c.436+1G>A as a pathogenic variant.

Department of Pediatric Endocrinology, Shriners Hospitals for Children - Mexico City
No classification provided. Condition: Childhood hypophosphatasia. Review status: no classification provided. Collection method: phenotyping only. Allele origin: de novo. Inheritance: X-linked dominant inheritance. Affected: yes. Observed: 1 variant allele. Not counted in ClinVar's aggregate classification.

Literature cited by the submitters: PubMed 16199547 (cited by Labcorp Genetics (formerly Invitae), Labcorp); PubMed 9097956 (cited by Labcorp Genetics (formerly Invitae), Labcorp); PubMed 9106524 (cited by Labcorp Genetics (formerly Invitae), Labcorp); PubMed 19219621 (cited by Labcorp Genetics (formerly Invitae), Labcorp); PubMed 18625346 (cited by Labcorp Genetics (formerly Invitae), Labcorp); PubMed 24857004 (cited by Labcorp Genetics (formerly Invitae), Labcorp); PubMed 29460029 (cited by Labcorp Genetics (formerly Invitae), Labcorp); PubMed 29505567 (cited by Labcorp Genetics (formerly Invitae), Labcorp).

NM_000444.6(PHEX):c.436+1G>A

Gene: PHEX (phosphate regulating endopeptidase X-linked; plus strand). Cytogenetic location: Xp22.11.
Variant type: single nucleotide variant.
Coding change: c.436+1G>A on transcript NM_000444.6 (MANE Select); the canonical splice donor site of the intron after coding-DNA position 436, G replaced by A.
Molecular consequence: splice donor variant.
Genome position (GRCh38, 1-based): chrX:22,076,475, G>A. VCF-style: chrX-22076475-G-A. GRCh37 (hg19) VCF-style: chrX-22094593-G-A.
Other names: c.436+1G>A (NM_001282754.2).
Identifiers: ClinVar variation 449698 (VCV000449698.12), dbSNP rs1057517788, ClinGen allele CA412571214.